The following is an entry in ClinVar:

NM_001035.3(RYR2):c.4350C>G (p.Phe1450Leu)

Gene: RYR2 (ryanodine receptor 2; plus strand). Cytogenetic location: 1q43.
Variant type: single nucleotide variant.
Coding change: c.4350C>G on transcript NM_001035.3 (MANE Select); coding-DNA position 4350, C replaced by G.
Protein change: p.Phe1450Leu; replaces phenylalanine 1450 with leucine.
Molecular consequence: missense variant.
Genome position (GRCh38, 1-based): chr1:237,593,550, C>G. VCF-style: chr1-237593550-C-G. GRCh37 (hg19) VCF-style: chr1-237756850-C-G.
Other names: short protein forms F1450L.
Identifiers: ClinVar variation 4863706 (VCV004863706.1).
Genomic context (GRCh38, chr1:237,593,550, plus strand): 5'-GAGAATCTTTCCTGGACAAGAACCTGCTAATGTCTGGGTGGGCTGGATTACATCAGATTT[C>G]CATCAGTATGACACAGGCTTTGACTTGGACAGAGTTCGCACAGTAACAGTTACTCTAGGA-3'
Protein context (NP_001026.2, residues 1440-1460): NVWVGWITSD[Phe1450Leu]HQYDTGFDLD

ClinVar aggregate classification (germline): Uncertain significance (1 of 4 stars; one submission).

Conditions:
Cardiovascular phenotype. Identifiers: MedGen CN230736.

Submission:

Ambry Genetics
Classification: Uncertain significance for Cardiovascular phenotype. Last evaluated: 2026-03-30. Review status: criteria provided, single submitter. Criteria: Ambry Variant Classification Scheme 2023. Collection method: clinical testing. Allele origin: germline.
Comment: The p.F1450L variant (also known as c.4350C>G), located in coding exon 33 of the RYR2 gene, results from a C to G substitution at nucleotide position 4350. The phenylalanine at codon 1450 is replaced by leucine, an amino acid with highly similar properties. This amino acid position is conserved. In addition, this alteration is predicted to be tolerated by in silico analysis. Based on the available evidence, the clinical significance of this variant remains unclear.